The following is an entry in ClinVar:

ClinVar aggregate classification (germline): Uncertain significance. Review status: criteria provided, multiple submitters, no conflicts (2 of 4 stars). 3 submissions from 3 submitters: Uncertain significance (3). Last evaluated 2026-01-14.

Conditions:
Hereditary nonpolyposis colorectal neoplasms. Identifiers: MedGen C0009405, MeSH D003123.
Hereditary cancer-predisposing syndrome. Also called: Neoplastic Syndromes, Hereditary; Tumor predisposition; Hereditary Cancer Syndrome; Hereditary neoplastic syndrome. Identifiers: Orphanet 140162, MedGen C0027672, MeSH D009386, MONDO:0015356.

Submissions (3):

Labcorp Genetics (formerly Invitae), Labcorp
Classification: Uncertain significance for Hereditary nonpolyposis colorectal neoplasms. Last evaluated: 2026-01-14. Review status: criteria provided, single submitter. Criteria: Invitae Variant Classification Sherloc (09022015). Collection method: clinical testing. Allele origin: germline.
Comment: This sequence change replaces isoleucine, which is neutral and non-polar, with serine, which is neutral and polar, at codon 343 of the PMS2 protein (p.Ile343Ser). This variant is not present in population databases (gnomAD no frequency). This variant has not been reported in the literature in individuals affected with PMS2-related conditions. ClinVar contains an entry for this variant (Variation ID: 918539). Invitae Evidence Modeling incorporating data from in vitro experimental studies (internal data) indicates that this missense variant is not expected to disrupt PMS2 function with a negative predictive value of 95%. In summary, the available evidence is currently insufficient to determine the role of this variant in disease. Therefore, it has been classified as a Variant of Uncertain Significance.

Color Diagnostics, LLC DBA Color Health
Classification: Uncertain significance for Hereditary cancer-predisposing syndrome. Last evaluated: 2023-12-04. Review status: criteria provided, single submitter. Criteria: ACMG Guidelines, 2015. Collection method: clinical testing. Allele origin: germline.
Comment: This missense variant replaces isoleucine with serine at codon 343 of the PMS2 protein. Computational prediction suggests that this variant may have deleterious impact on protein structure and function (internally defined REVEL score threshold >= 0.7, PMID: 27666373). To our knowledge, functional studies have not been reported for this variant. This variant has not been reported in individuals affected with PMS2-related disorders in the literature. This variant has not been identified in the general population by the Genome Aggregation Database (gnomAD). The available evidence is insufficient to determine the role of this variant in disease conclusively. Therefore, this variant is classified as a Variant of Uncertain Significance.

Ambry Genetics
Classification: Uncertain significance for Hereditary cancer-predisposing syndrome. Last evaluated: 2023-05-14. Review status: criteria provided, single submitter. Criteria: Ambry Variant Classification Scheme 2023. Collection method: clinical testing. Allele origin: germline.
Comment: The p.I343S variant (also known as c.1028T>G), located in coding exon 10 of the PMS2 gene, results from a T to G substitution at nucleotide position 1028. The isoleucine at codon 343 is replaced by serine, an amino acid with dissimilar properties. This amino acid position is conserved. In addition, this alteration is predicted to be deleterious by in silico analysis. Since supporting evidence is limited at this time, the clinical significance of this alteration remains unclear.

NM_000535.7(PMS2):c.1028T>G (p.Ile343Ser)

Gene: PMS2 (PMS1 homolog 2, mismatch repair system component; minus strand). Cytogenetic location: 7p22.1.
Variant type: single nucleotide variant.
Coding change: c.1028T>G on transcript NM_000535.7 (MANE Select); coding-DNA position 1028, T replaced by G.
Protein change: p.Ile343Ser; replaces isoleucine 343 with serine.
Molecular consequence: missense variant. On other transcripts: non-coding transcript variant (1), intron variant (2).
Genome position (GRCh38, 1-based): chr7:5,989,916, A>C on the plus strand (T>G on the coding strand, the complement: PMS2 is on the minus strand). VCF-style: chr7-5989916-A-C. GRCh37 (hg19) VCF-style: chr7-6029547-A-C.
Other names: c.1028T>G (NM_000535.5); c.623T>G, p.Ile208Ser (NM_001322003.2, NM_001322004.2, NM_001322005.2 and 1 more transcripts); c.710T>G, p.Ile237Ser (NM_001322007.2, NM_001322008.2); c.95T>G, p.Ile32Ser (NM_001322011.2, NM_001322012.2); c.455T>G, p.Ile152Ser (NM_001322013.2); c.1028T>G, p.Ile343Ser (NM_001322014.2); c.719T>G, p.Ile240Ser (NM_001322015.2); c.583+2057T>G (NM_001322010.2); and 1 more; short protein forms I32S, I152S, I208S, I240S, I343S, I237S.
Identifiers: ClinVar variation 918539 (VCV000918539.8), dbSNP rs1783541846, ClinGen allele CA366742954.